The following is an entry in ClinVar:

NM_005359.6(SMAD4):c.469A>G (p.Met157Val)

Gene: SMAD4 (SMAD family member 4; plus strand). Cytogenetic location: 18q21.2.
Variant type: single nucleotide variant.
Coding change: c.469A>G on transcript NM_005359.6 (MANE Select); coding-DNA position 469, A replaced by G.
Protein change: p.Met157Val; replaces methionine 157 with valine.
Molecular consequence: missense variant.
Genome position (GRCh38, 1-based): chr18:51,054,795, A>G. VCF-style: chr18-51054795-A-G. GRCh37 (hg19) VCF-style: chr18-48581165-A-G.
Other names: short protein forms M157V.
Identifiers: ClinVar variation 924375 (VCV000924375.5), dbSNP rs1443471590, ClinGen allele CA402460607.

ClinVar aggregate classification (germline): Uncertain significance. Review status: criteria provided, multiple submitters, no conflicts (2 of 4 stars). 2 submissions from 2 submitters: Uncertain significance (2). Last evaluated 2024-10-04.

Conditions:
Hereditary cancer-predisposing syndrome. Also called: Neoplastic Syndromes, Hereditary; Tumor predisposition; Hereditary Cancer Syndrome; Hereditary neoplastic syndrome. Identifiers: Orphanet 140162, MedGen C0027672, MeSH D009386, MONDO:0015356.
Familial thoracic aortic aneurysm and aortic dissection (TAAD). Also called: Thoracic aortic aneurysms and dissections. Identifiers: Orphanet 91387, MedGen C4707243, MONDO:0019625.

Submissions (2):

Ambry Genetics
Classification: Uncertain significance for Hereditary cancer-predisposing syndrome; Familial thoracic aortic aneurysm and aortic dissection. Last evaluated: 2024-10-04. Review status: criteria provided, single submitter. Criteria: Ambry Variant Classification Scheme 2023. Collection method: clinical testing. Allele origin: germline.
Comment: The p.M157V variant (also known as c.469A>G), located in coding exon 4 of the SMAD4 gene, results from an A to G substitution at nucleotide position 469. The methionine at codon 157 is replaced by valine, an amino acid with highly similar properties. This amino acid position is conserved. In addition, this alteration is predicted to be tolerated by in silico analysis. Based on the available evidence, the clinical significance of this variant remains unclear.

Color Diagnostics, LLC DBA Color Health
Classification: Uncertain significance for Hereditary cancer-predisposing syndrome. Last evaluated: 2024-03-07. Review status: criteria provided, single submitter. Criteria: ACMG Guidelines, 2015. Collection method: clinical testing. Allele origin: germline.
Comment: This missense variant replaces methionine with valine at codon 157 of the SMAD4 protein. Computational prediction tool suggests that this variant may not impact protein structure and function (internally defined REVEL score threshold <=0.5, PMID: 27666373). Splice site prediction tools suggest that this variant may not impact RNA splicing. To our knowledge, functional studies have not been performed for this variant. This variant has not been reported in individuals affected with hereditary cancer in the literature. This variant has not been identified in the general population by the Genome Aggregation Database (gnomAD). The available evidence is insufficient to determine the role of this variant in disease conclusively. Therefore, this variant is classified as a Variant of Uncertain Significance.